The following is an entry in ClinVar:

NM_000565.4(IL6R):c.106A>G (p.Thr36Ala)

Gene: IL6R (interleukin 6 receptor; plus strand). Cytogenetic location: 1q21.3.
Variant type: single nucleotide variant.
Coding change: c.106A>G on transcript NM_000565.4 (MANE Select); coding-DNA position 106, A replaced by G.
Protein change: p.Thr36Ala; replaces threonine 36 with alanine.
Molecular consequence: missense variant.
Genome position (GRCh38, 1-based): chr1:154,429,216, A>G. VCF-style: chr1-154429216-A-G. GRCh37 (hg19) VCF-style: chr1-154401692-A-G.
Other names: c.106A>G, p.Thr36Ala (NM_001206866.2, NM_001382769.1, NM_001382770.1 and 5 more transcripts); short protein forms T36A.
Identifiers: ClinVar variation 1518026 (VCV001518026.8), dbSNP rs766474176, ClinGen allele CA1128921.

ClinVar aggregate classification (germline): Uncertain significance (1 of 4 stars; one submission).

Allele frequency attached by ClinVar (database versions not stated): gnomAD exomes below 0.00001; ExAC 0.00001; gnomAD 0.00001; TOPMed 0.00001.
gnomAD v4.1: 12 of 1,613,066 alleles (0.00074%); highest among the groups gnomAD compares: Admixed American, 0.005%; no homozygotes.

Submission:

Labcorp Genetics (formerly Invitae), Labcorp
Classification: Uncertain significance. Last evaluated: 2023-08-10. Review status: criteria provided, single submitter. Criteria: Invitae Variant Classification Sherloc (09022015). Collection method: clinical testing. Allele origin: germline.
Comment: In summary, the available evidence is currently insufficient to determine the role of this variant in disease. Therefore, it has been classified as a Variant of Uncertain Significance. Algorithms developed to predict the effect of missense changes on protein structure and function output the following: SIFT: "Not Available"; PolyPhen-2: "Benign"; Align-GVGD: "Not Available". The alanine amino acid residue is found in multiple mammalian species, which suggests that this missense change does not adversely affect protein function. ClinVar contains an entry for this variant (Variation ID: 1518026). This variant has not been reported in the literature in individuals affected with IL6R-related conditions. This variant is present in population databases (rs766474176, gnomAD 0.006%). This sequence change replaces threonine, which is neutral and polar, with alanine, which is neutral and non-polar, at codon 36 of the IL6R protein (p.Thr36Ala).